The following is an entry in ClinVar:

NM_001735.3(C5):c.4303A>C (p.Asn1435His)

Gene: C5 (complement C5; minus strand). Cytogenetic location: 9q33.2.
Variant type: single nucleotide variant.
Coding change: c.4303A>C on transcript NM_001735.3 (MANE Select); coding-DNA position 4303, A replaced by C.
Protein change: p.Asn1435His; replaces asparagine 1435 with histidine.
Molecular consequence: missense variant.
Genome position (GRCh38, 1-based): chr9:120,963,656, T>G on the plus strand (A>C on the coding strand, the complement: C5 is on the minus strand). VCF-style: chr9-120963656-T-G. GRCh37 (hg19) VCF-style: chr9-123725934-T-G.
Other names: c.4321A>C, p.Asn1441His (NM_001317163.2); short protein forms N1441H, N1435H.
Identifiers: ClinVar variation 2016875 (VCV002016875.4), dbSNP rs2540377622, ClinGen allele CA374748403.

ClinVar aggregate classification (germline): Uncertain significance (1 of 4 stars; one submission).

Submission:

Labcorp Genetics (formerly Invitae), Labcorp
Classification: Uncertain significance. Last evaluated: 2022-07-14. Review status: criteria provided, single submitter. Criteria: Invitae Variant Classification Sherloc (09022015). Collection method: clinical testing. Allele origin: germline.
Comment: This sequence change replaces asparagine, which is neutral and polar, with histidine, which is basic and polar, at codon 1435 of the C5 protein (p.Asn1435His). This variant is not present in population databases (gnomAD no frequency). This variant has not been reported in the literature in individuals affected with C5-related conditions. Algorithms developed to predict the effect of missense changes on protein structure and function (SIFT, PolyPhen-2, Align-GVGD) all suggest that this variant is likely to be tolerated. In summary, the available evidence is currently insufficient to determine the role of this variant in disease. Therefore, it has been classified as a Variant of Uncertain Significance.